The following is an entry in ClinVar:

ClinVar aggregate classification (germline): Uncertain significance (1 of 4 stars; one submission).

Conditions:
Adenylosuccinate lyase deficiency (ADSLD). Also called: ADSL DEFICIENCY. Identifiers: Orphanet 46, MedGen C0268126, MONDO:0007068, OMIM 103050.

Allele frequency attached by ClinVar (database versions not stated): gnomAD 0.00002; TOPMed 0.00003.

Submission:

Labcorp Genetics (formerly Invitae), Labcorp
Classification: Uncertain significance for Adenylosuccinate lyase deficiency. Last evaluated: 2022-05-04. Review status: criteria provided, single submitter. Criteria: Invitae Variant Classification Sherloc (09022015). Collection method: clinical testing. Allele origin: germline.
Comment: This variant occurs in a non-coding region of the ADSL gene. It does not change the encoded amino acid sequence of the ADSL protein. This variant is present in population databases (no rsID available, gnomAD 0.007%). This variant has not been reported in the literature in individuals affected with ADSL-related conditions. Experimental studies and prediction algorithms are not available or were not evaluated, and the functional significance of this variant is currently unknown. In summary, the available evidence is currently insufficient to determine the role of this variant in disease. Therefore, it has been classified as a Variant of Uncertain Significance.

NC_000022.11:g.40345517T>C

Gene: ADSL (adenylosuccinate lyase; plus strand). Cytogenetic location: 22q13.1.
Variant type: single nucleotide variant.
Genome position: GRCh38 VCF-style: chr22-40345517-T-C. GRCh37 (hg19) VCF-style: chr22-40741521-T-C.
Identifiers: ClinVar variation 1919407 (VCV001919407.3), dbSNP rs896057121, ClinGen allele CA324446210.